The following is an entry in ClinVar:

ClinVar aggregate classification (germline): Conflicting classifications of pathogenicity. Review status: criteria provided, conflicting classifications (1 of 4 stars). 3 submissions from 3 submitters: Uncertain significance (2); Likely benign (1). Last evaluated 2025-06-02.

Conditions:
Hereditary cancer-predisposing syndrome. Also called: Neoplastic Syndromes, Hereditary; Tumor predisposition; Hereditary Cancer Syndrome; Hereditary neoplastic syndrome. Identifiers: Orphanet 140162, MedGen C0027672, MeSH D009386, MONDO:0015356.
Hereditary breast ovarian cancer syndrome. Also called: Hereditary breast and ovarian cancer; Hereditary breast and ovarian cancer syndrome (HBOC); Hereditary breast and ovarian cancer syndrome; BRCA1- and BRCA2-Associated Hereditary Breast and Ovarian Cancer; Hereditary breast and/or ovarian cancer syndrome; Breast and ovarian cancer. Identifiers: Orphanet 145, MedGen C0677776, MeSH D061325, MONDO:0003582. Disease mechanism: loss of function.

Submissions (3):

Ambry Genetics
Classification: Likely benign for Hereditary cancer-predisposing syndrome. Last evaluated: 2025-06-02. Review status: criteria provided, single submitter. Criteria: Ambry Variant Classification Scheme 2023. Collection method: clinical testing. Allele origin: germline.

Blueprint Genetics
Classification: Uncertain significance. Last evaluated: 2023-09-15. Review status: criteria provided, single submitter. Criteria: ACMG Guidelines, 2015. Collection method: clinical testing. Allele origin: germline.

Labcorp Genetics (formerly Invitae), Labcorp
Classification: Uncertain significance for Hereditary breast ovarian cancer syndrome. Last evaluated: 2020-12-23. Review status: criteria provided, single submitter. Criteria: Invitae Variant Classification Sherloc (09022015). Collection method: clinical testing. Allele origin: germline.
Comment: This variant is not present in population databases (ExAC no frequency). This sequence change replaces leucine with valine at codon 2774 of the BRCA2 protein (p.Leu2774Val). The leucine residue is highly conserved and there is a small physicochemical difference between leucine and valine. This variant has not been reported in the literature in individuals with BRCA2-related conditions. Algorithms developed to predict the effect of missense changes on protein structure and function are either unavailable or do not agree on the potential impact of this missense change (SIFT: "Deleterious"; PolyPhen-2: "Probably Damaging"; Align-GVGD: "Class C15"). In summary, the available evidence is currently insufficient to determine the role of this variant in disease. Therefore, it has been classified as a Variant of Uncertain Significance.

Literature cited by the submitters: PubMed 39779848 (cited by Ambry Genetics).

NM_000059.4(BRCA2):c.8320C>G (p.Leu2774Val)

Gene: BRCA2 (BRCA2 DNA repair associated; plus strand). Cytogenetic location: 13q13.1.
Variant type: single nucleotide variant.
Coding change: c.8320C>G on transcript NM_000059.4 (MANE Select); coding-DNA position 8320, C replaced by G.
Protein change: p.Leu2774Val; replaces leucine 2774 with valine.
Molecular consequence: missense variant.
Genome position (GRCh38, 1-based): chr13:32,363,522, C>G. VCF-style: chr13-32363522-C-G. GRCh37 (hg19) VCF-style: chr13-32937659-C-G.
Other names: short protein forms L2774V.
Identifiers: ClinVar variation 853942 (VCV000853942.12), dbSNP rs2072761310, ClinGen allele CA387750254.